The following is an entry in ClinVar:

NM_000748.3(CHRNB2):c.1300A>T (p.Ile434Phe)

Gene: CHRNB2 (cholinergic receptor nicotinic beta 2 subunit; plus strand). Cytogenetic location: 1q21.3.
Variant type: single nucleotide variant.
Coding change: c.1300A>T on transcript NM_000748.3 (MANE Select); coding-DNA position 1300, A replaced by T.
Protein change: p.Ile434Phe; replaces isoleucine 434 with phenylalanine.
Molecular consequence: missense variant.
Genome position (GRCh38, 1-based): chr1:154,572,123, A>T. VCF-style: chr1-154572123-A-T. GRCh37 (hg19) VCF-style: chr1-154544599-A-T.
Other names: short protein forms I434F.
Identifiers: ClinVar variation 1496836 (VCV001496836.8), dbSNP rs1171180526, ClinGen allele CA342631885.

ClinVar aggregate classification (germline): Uncertain significance (1 of 4 stars; one submission).

Conditions:
Familial sleep-related hypermotor epilepsy. Also called: Autosomal Dominant Sleep-Related Hypermotor (Hyperkinetic) Epilepsy. Identifiers: Orphanet 98784, MedGen C3696898, MONDO:0000030.

Allele frequency attached by ClinVar (database versions not stated): TOPMed 0.00001; gnomAD exomes below 0.00001.

Submission:

Labcorp Genetics (formerly Invitae), Labcorp
Classification: Uncertain significance. Last evaluated: 2021-06-06. Review status: criteria provided, single submitter. Criteria: Invitae Variant Classification Sherloc (09022015). Collection method: clinical testing. Allele origin: germline.
Comment: In summary, the available evidence is currently insufficient to determine the role of this variant in disease. Therefore, it has been classified as a Variant of Uncertain Significance. Advanced modeling of protein sequence and biophysical properties (such as structural, functional, and spatial information, amino acid conservation, physicochemical variation, residue mobility, and thermodynamic stability) performed at Invitae indicates that this missense variant is expected to disrupt CHRNB2 protein function. This variant has not been reported in the literature in individuals with CHRNB2-related conditions. The frequency data for this variant in the population databases is considered unreliable, as metrics indicate insufficient coverage at this position in the ExAC database. This sequence change replaces isoleucine with phenylalanine at codon 434 of the CHRNB2 protein (p.Ile434Phe). The isoleucine residue is highly conserved and there is a small physicochemical difference between isoleucine and phenylalanine.